The following is an entry in ClinVar:

ClinVar aggregate classification (germline): Uncertain significance. Review status: criteria provided, multiple submitters, no conflicts (2 of 4 stars). 2 submissions from 2 submitters: Uncertain significance (2). Last evaluated 2025-06-18.

gnomAD v4.1: 7 of 1,605,460 alleles (0.00044%); highest among the groups gnomAD compares: Admixed American, 0.0068%; no homozygotes.

Submissions (2):

Ambry Genetics
Classification: Uncertain significance. Last evaluated: 2025-06-18. Review status: criteria provided, single submitter. Criteria: Ambry Variant Classification Scheme 2023. Collection method: clinical testing. Allele origin: germline.

Labcorp Genetics (formerly Invitae), Labcorp
Classification: Uncertain significance. Last evaluated: 2024-05-15. Review status: criteria provided, single submitter. Criteria: Invitae Variant Classification Sherloc (09022015). Collection method: clinical testing. Allele origin: germline.
Comment: This sequence change replaces arginine, which is basic and polar, with tryptophan, which is neutral and slightly polar, at codon 2013 of the CEP250 protein (p.Arg2013Trp). This variant is present in population databases (rs753451564, gnomAD 0.009%). This variant has not been reported in the literature in individuals affected with CEP250-related conditions. An algorithm developed to predict the effect of missense changes on protein structure and function (PolyPhen-2) suggests that this variant is likely to be disruptive. In summary, the available evidence is currently insufficient to determine the role of this variant in disease. Therefore, it has been classified as a Variant of Uncertain Significance.

NM_007186.6(CEP250):c.6037C>T (p.Arg2013Trp)

Gene: CEP250 (centrosomal protein 250; plus strand). Cytogenetic location: 20q11.22.
Variant type: single nucleotide variant.
Coding change: c.6037C>T on transcript NM_007186.6 (MANE Select); coding-DNA position 6037, C replaced by T.
Protein change: p.Arg2013Trp; replaces arginine 2013 with tryptophan.
Molecular consequence: missense variant.
Genome position (GRCh38, 1-based): chr20:35,504,406, C>T. VCF-style: chr20-35504406-C-T. GRCh37 (hg19) VCF-style: chr20-34092234-C-T.
Other names: c.4141C>T, p.Arg1381Trp (NM_001318219.1); c.6037C>T (NM_007186.3); short protein forms R1381W, R2013W.
Identifiers: ClinVar variation 3620600 (VCV003620600.3).
Genomic context (GRCh38, chr20:35,504,406, plus strand): 5'-AGTCTGGAGGCCAGCACTGCAACCCTGCAAGCCTCCCTGGATGCCTGCCAGGCACACAGT[C>T]GGCAGCTGGAGGAGGCTCTGAGGATACAAGAAGGTGAGATCCAGGACCAGGATCTCCGAT-3'
Protein context (NP_009117.2, residues 2003-2023): ASLDACQAHS[Arg2013Trp]QLEEALRIQE